The following is an entry in ClinVar:

NM_001134363.3(RBM20):c.1516G>A (p.Val506Met)

Gene: RBM20 (RNA binding motif protein 20; plus strand). Cytogenetic location: 10q25.2.
Variant type: single nucleotide variant.
Coding change: c.1516G>A on transcript NM_001134363.3 (MANE Select); coding-DNA position 1516, G replaced by A.
Protein change: p.Val506Met; replaces valine 506 with methionine.
Molecular consequence: missense variant.
Genome position (GRCh38, 1-based): chr10:110,784,878, G>A. VCF-style: chr10-110784878-G-A. GRCh37 (hg19) VCF-style: chr10-112544636-G-A.
Other names: short protein forms V506M.
Identifiers: ClinVar variation 667317 (VCV000667317.6), dbSNP rs1590677676, ClinGen allele CA378388535.

ClinVar aggregate classification (germline): Uncertain significance. Review status: criteria provided, multiple submitters, no conflicts (2 of 4 stars). 2 submissions from 2 submitters: Uncertain significance (2). Last evaluated 2024-11-04.

Conditions:
Dilated cardiomyopathy 1DD (CMD1DD). Identifiers: Orphanet 154, MedGen C2750995, MONDO:0013168, OMIM 613172.

Allele frequency attached by ClinVar (database versions not stated): gnomAD exomes below 0.00001.
gnomAD v4.1: 1 of 1,538,182 alleles (0.000065%); highest among the groups gnomAD compares: Non-Finnish European, 0.000088%; no homozygotes.

Submissions (2):

Labcorp Genetics (formerly Invitae), Labcorp
Classification: Uncertain significance for Dilated cardiomyopathy 1DD. Last evaluated: 2024-11-04. Review status: criteria provided, single submitter. Criteria: Invitae Variant Classification Sherloc (09022015). Collection method: clinical testing. Allele origin: germline.
Comment: This sequence change replaces valine, which is neutral and non-polar, with methionine, which is neutral and non-polar, at codon 506 of the RBM20 protein (p.Val506Met). This variant is not present in population databases (gnomAD no frequency). This variant has not been reported in the literature in individuals affected with RBM20-related conditions. ClinVar contains an entry for this variant (Variation ID: 667317). Invitae Evidence Modeling of protein sequence and biophysical properties (such as structural, functional, and spatial information, amino acid conservation, physicochemical variation, residue mobility, and thermodynamic stability) indicates that this missense variant is not expected to disrupt RBM20 protein function with a negative predictive value of 95%. In summary, the available evidence is currently insufficient to determine the role of this variant in disease. Therefore, it has been classified as a Variant of Uncertain Significance.

Laboratory for Molecular Medicine, Mass General Brigham Personalized Medicine
Classification: Uncertain significance. Last evaluated: 2018-04-06. Review status: criteria provided, single submitter. Criteria: LMM Criteria. Collection method: clinical testing. Allele origin: germline. Observed: 1 variant allele.
Comment: The p.Val506Met variant in RBM20 has not been reported in individuals with cardi omyopathy and was absent from large population studies. Computational prediction tools and conservation analysis suggest that the p.Val506Met variant may not im pact the protein, though this information is not predictive enough to rule out p athogenicity. In summary, the clinical significance of the p.Val506Met variant i s uncertain. ACMG/AMP Criteria applied: PM2; BP4.